The following is an entry in ClinVar:

NM_004360.5(CDH1):c.208T>C (p.Ser70Pro)

Gene: CDH1 (cadherin 1; plus strand). Cytogenetic location: 16q22.1.
Variant type: single nucleotide variant.
Coding change: c.208T>C on transcript NM_004360.5 (MANE Select); coding-DNA position 208, T replaced by C.
Protein change: p.Ser70Pro; replaces serine 70 with proline.
Molecular consequence: missense variant. On other transcripts: 5 prime UTR variant (2).
Genome position (GRCh38, 1-based): chr16:68,801,714, T>C. VCF-style: chr16-68801714-T-C. GRCh37 (hg19) VCF-style: chr16-68835617-T-C.
Other names: c.208T>C (LRG_301t1); c.208T>C, p.Ser70Pro (NM_001317184.2); c.-1408T>C (NM_001317185.2); c.-1612T>C (NM_001317186.2); short protein forms S70P.
Identifiers: ClinVar variation 141592 (VCV000141592.19), dbSNP rs587781862, ClinGen allele CA165879.

ClinVar aggregate classification (germline): Uncertain significance. Review status: criteria provided, multiple submitters, no conflicts (2 of 4 stars). 4 submissions from 4 submitters: Uncertain significance (4). Last evaluated 2025-11-10.

Conditions:
Hereditary cancer-predisposing syndrome. Also called: Neoplastic Syndromes, Hereditary; Hereditary Cancer Syndrome; Hereditary neoplastic syndrome; Tumor predisposition. Identifiers: Orphanet 140162, MedGen C0027672, MeSH D009386, MONDO:0015356.
Hereditary diffuse gastric adenocarcinoma (HDGC). Also called: DIFFUSE GASTRIC AND LOBULAR BREAST CANCER SYNDROME. Identifiers: Orphanet 26106, MedGen C1708349, MONDO:0007648, OMIM 137215.
Familial cancer of breast. Also called: Hereditary breast cancer; hereditary breast carcinoma; BREAST CANCER, FAMILIAL. Identifiers: Orphanet 227535, MedGen C0346153, MONDO:0016419, OMIM 114480. Disease mechanism: loss of function.

gnomAD v4.1: 4 of 1,614,046 alleles (0.00025%); highest among the groups gnomAD compares: African/African-American, 0.004%; no homozygotes.

Submissions (4):

Labcorp Genetics (formerly Invitae), Labcorp
Classification: Uncertain significance for Hereditary diffuse gastric adenocarcinoma. Last evaluated: 2025-11-10. Review status: criteria provided, single submitter. Criteria: Invitae Variant Classification Sherloc (09022015). Collection method: clinical testing. Allele origin: germline.
Comment: This sequence change replaces serine, which is neutral and polar, with proline, which is neutral and non-polar, at codon 70 of the CDH1 protein (p.Ser70Pro). This variant is not present in population databases (gnomAD no frequency). This variant has not been reported in the literature in individuals affected with CDH1-related conditions. ClinVar contains an entry for this variant (Variation ID: 141592). An algorithm developed to predict the effect of missense changes on protein structure and function (PolyPhen-2) suggests that this variant is likely to be tolerated. In summary, the available evidence is currently insufficient to determine the role of this variant in disease. Therefore, it has been classified as a Variant of Uncertain Significance.

Ambry Genetics
Classification: Uncertain significance for Hereditary cancer-predisposing syndrome. Last evaluated: 2023-12-14. Review status: criteria provided, single submitter. Criteria: Ambry Variant Classification Scheme 2023. Collection method: clinical testing. Allele origin: germline.
Comment: The p.S70P variant (also known as c.208T>C), located in coding exon 3 of the CDH1 gene, results from a T to C substitution at nucleotide position 208. The serine at codon 70 is replaced by proline, an amino acid with similar properties. This amino acid position is well conserved in available vertebrate species. In addition, the in silico prediction for this alteration is inconclusive. Since supporting evidence is limited at this time, the clinical significance of this alteration remains unclear.

Baylor Genetics
Classification: Uncertain significance for Familial cancer of breast. Last evaluated: 2023-12-07. Review status: criteria provided, single submitter. Criteria: ACMG Guidelines, 2015. Collection method: clinical testing. Allele origin: unknown.

Color Diagnostics, LLC DBA Color Health
Classification: Uncertain significance for Hereditary cancer-predisposing syndrome. Last evaluated: 2023-12-04. Review status: criteria provided, single submitter. Criteria: ACMG Guidelines, 2015. Collection method: clinical testing. Allele origin: germline.
Comment: This missense variant replaces serine with proline at codon 70 of the CDH1 protein. To our knowledge, functional studies have not been reported for this variant. This variant has not been reported in individuals affected with CDH1-related disorders in the literature. This variant has not been identified in the general population by the Genome Aggregation Database (gnomAD). The available evidence is insufficient to determine the role of this variant in disease conclusively. Therefore, this variant is classified as a Variant of Uncertain Significance.